The following is an entry in ClinVar:

ClinVar aggregate classification (germline): Likely benign. Review status: criteria provided, multiple submitters, no conflicts (2 of 4 stars). 5 submissions from 5 submitters: Likely benign (5). Last evaluated 2024-11-30.

Conditions:
Ehlers-Danlos syndrome, type 4 (EDSVASC). Also called: Ehlers-Danlos Syndrome Type IV; Ehlers-Danlos syndrome vascular type; Ehlers Danlos syndrome, ecchymotic type; Ehlers Danlos syndrome, arterial type; Ehlers Danlos syndrome, Sack-Barabas type. Identifiers: Orphanet 286, MedGen C0268338, MONDO:0017314, OMIM 130050.
Familial thoracic aortic aneurysm and aortic dissection (TAAD). Also called: Thoracic aortic aneurysms and dissections. Identifiers: Orphanet 91387, MedGen C4707243, MONDO:0019625.

Allele frequency attached by ClinVar (database versions not stated): TOPMed below 0.00001; gnomAD 0.00001; gnomAD exomes 0.00002.
gnomAD v4.1: 13 of 1,614,048 alleles (0.00081%); highest among the groups gnomAD compares: Non-Finnish European, 0.000085%; no homozygotes.

Submissions (5):

Labcorp Genetics (formerly Invitae), Labcorp
Classification: Likely benign for Ehlers-Danlos syndrome, type 4. Last evaluated: 2024-11-30. Review status: criteria provided, single submitter. Criteria: Invitae Variant Classification Sherloc (09022015). Collection method: clinical testing. Allele origin: germline.

All of Us Research Program, National Institutes of Health
Classification: Likely benign for Ehlers-Danlos syndrome, type 4. Last evaluated: 2023-05-30. Review status: criteria provided, single submitter. Criteria: ACMG Guidelines, 2015. Collection method: clinical testing. Allele origin: germline. Inheritance: Autosomal dominant inheritance. Observed: 2 variant alleles, 2 heterozygotes.
Comment: This study involves interpretation of variants in research participants for the purpose of population health screening. Participant phenotype was not available at the time of variant classification. Additional details can be found in publication PMID: 35346344, PMCID: PMC8962531

Ambry Genetics
Classification: Likely benign for Familial thoracic aortic aneurysm and aortic dissection. Last evaluated: 2022-07-10. Review status: criteria provided, single submitter. Criteria: Ambry Variant Classification Scheme 2023. Collection method: clinical testing. Allele origin: germline.

CeGaT Center for Human Genetics Tuebingen
Classification: Likely benign. Last evaluated: 2020-04-01. Review status: criteria provided, single submitter. Criteria: CeGaT Center For Human Genetics Tuebingen Variant Classification Criteria Version 2. Collection method: clinical testing. Allele origin: germline. Affected: yes. Observed: 1 variant allele.

Color Diagnostics, LLC DBA Color Health
Classification: Likely benign for Familial thoracic aortic aneurysm and aortic dissection. Last evaluated: 2019-10-15. Review status: criteria provided, single submitter. Criteria: ACMG Guidelines, 2015. Collection method: clinical testing. Allele origin: germline.

NM_000090.4(COL3A1):c.3687C>T (p.Ile1229=)

Gene: COL3A1 (collagen type III alpha 1 chain; plus strand). Cytogenetic location: 2q32.2.
Variant type: single nucleotide variant.
Coding change: c.3687C>T on transcript NM_000090.4 (MANE Select); coding-DNA position 3687, C replaced by T.
Protein change: p.Ile1229=; no amino-acid change (isoleucine 1229 retained).
Molecular consequence: synonymous variant.
Genome position (GRCh38, 1-based): chr2:189,009,085, C>T. VCF-style: chr2-189009085-C-T. GRCh37 (hg19) VCF-style: chr2-189873811-C-T.
Identifiers: ClinVar variation 923240 (VCV000923240.46), dbSNP rs1246267310, ClinGen allele CA430406251.